The following is an entry in ClinVar:

NM_177438.3(DICER1):c.5656G>C (p.Gly1886Arg)

Gene: DICER1 (dicer 1, ribonuclease III; minus strand). Cytogenetic location: 14q32.13.
Variant type: single nucleotide variant.
Coding change: c.5656G>C on transcript NM_177438.3 (MANE Select); coding-DNA position 5656, G replaced by C.
Protein change: p.Gly1886Arg; replaces glycine 1886 with arginine.
Molecular consequence: missense variant. On other transcripts: 3 prime UTR variant (1).
Genome position (GRCh38, 1-based): chr14:95,090,611, C>G on the plus strand (G>C on the coding strand, the complement: DICER1 is on the minus strand). VCF-style: chr14-95090611-C-G. GRCh37 (hg19) VCF-style: chr14-95556948-C-G.
Other names: c.*3G>C (NM_001195573.1); c.5656G>C, p.Gly1886Arg (NM_001271282.3, NM_001291628.2, NM_030621.4); short protein forms G1886R.
Identifiers: ClinVar variation 574918 (VCV000574918.10), dbSNP rs1566744851, ClinGen allele CA390863447.
Genomic context (GRCh38, chr14:95,090,611, plus strand): 5'-TTGCTGCTGCAGATTTGGCAATCCTGTAACTTCGACCAACACCTTTAAATTTCCCCTTTC[C>G]TACTACTTCCACAGTGACTCTGACCTTCCCGTCGTAAGTTCTCTCAGCCGGGCTGTAAAA-3'
Protein context (NP_803187.1, residues 1876-1896): GKVRVTVEVV[Gly1886Arg]KGKFKGVGRS

ClinVar aggregate classification (germline): Uncertain significance (1 of 4 stars; one submission).

Conditions:
DICER1-related tumor predisposition. Also called: DICER1 syndrome; DICER1-related pleuropulmonary blastoma cancer predisposition syndrome. Identifiers: Orphanet 284343, MedGen C3839822, MONDO:0100216.

Submission:

Labcorp Genetics (formerly Invitae), Labcorp
Classification: Uncertain significance for DICER1-related tumor predisposition. Last evaluated: 2018-05-07. Review status: criteria provided, single submitter. Criteria: Invitae Variant Classification Sherloc (09022015). Collection method: clinical testing. Allele origin: germline.
Comment: In summary, the available evidence is currently insufficient to determine the role of this variant in disease. Therefore, it has been classified as a Variant of Uncertain Significance. Algorithms developed to predict the effect of missense changes on protein structure and function do not agree on the potential impact of this missense change (SIFT: "Tolerated"; PolyPhen-2: "Probably Damaging"; Align-GVGD: "Class C0"). This variant has been observed in an individual affected with Wilms tumor (PMID: 25670083). This variant is not present in population databases (ExAC no frequency). This sequence change replaces glycine with arginine at codon 1886 of the DICER1 protein (p.Gly1886Arg). The glycine residue is highly conserved and there is a moderate physicochemical difference between glycine and arginine.

Literature cited by the submitters: PubMed 25670083.